The following is an entry in ClinVar:

NM_138694.4(PKHD1):c.220A>C (p.Ser74Arg)

Gene: PKHD1 (PKHD1 ciliary IPT domain containing fibrocystin/polyductin; minus strand). Cytogenetic location: 6p12.2.
Variant type: single nucleotide variant.
Coding change: c.220A>C on transcript NM_138694.4 (MANE Select); coding-DNA position 220, A replaced by C.
Protein change: p.Ser74Arg; replaces serine 74 with arginine.
Molecular consequence: missense variant.
Genome position (GRCh38, 1-based): chr6:52,082,453, T>G on the plus strand (A>C on the coding strand, the complement: PKHD1 is on the minus strand). VCF-style: chr6-52082453-T-G. GRCh37 (hg19) VCF-style: chr6-51947251-T-G.
Other names: c.220A>C, p.Ser74Arg (NM_170724.3); short protein forms S74R.
Identifiers: ClinVar variation 2629316 (VCV002629316.1), dbSNP rs1235593661, ClinGen allele CA364440411.

ClinVar aggregate classification (germline): Uncertain significance (1 of 4 stars; one submission).

Conditions:
PKHD1-related disorder. Also called: PKHD1-related condition.

Allele frequency attached by ClinVar (database versions not stated): TOPMed 0.00002.

Submission:

PreventionGenetics, part of Exact Sciences
Classification: Uncertain significance for PKHD1-related condition. Last evaluated: 2023-05-15. Review status: criteria provided, single submitter. Criteria: ACMG Guidelines, 2015. Collection method: clinical testing. Allele origin: germline.
Comment: The PKHD1 c.220A>C variant is predicted to result in the amino acid substitution p.Ser74Arg. To our knowledge, this variant has not been reported in the literature. This variant is reported in 0.011% of alleles in individuals of African descent in gnomAD. At this time, the clinical significance of this variant is uncertain due to the absence of conclusive functional and genetic evidence.